The following is an entry in ClinVar:

ClinVar aggregate classification (germline): Uncertain significance (1 of 4 stars; one submission).

Submission:

Labcorp Genetics (formerly Invitae), Labcorp
Classification: Uncertain significance. Last evaluated: 2022-05-19. Review status: criteria provided, single submitter. Criteria: Invitae Variant Classification Sherloc (09022015). Collection method: clinical testing. Allele origin: germline.
Comment: Experimental studies and prediction algorithms are not available or were not evaluated, and the functional significance of this variant is currently unknown. In summary, the available evidence is currently insufficient to determine the role of this variant in disease. Therefore, it has been classified as a Variant of Uncertain Significance. This variant has not been reported in the literature in individuals affected with SEC24D-related conditions. This variant is present in population databases (rs761365495, gnomAD 0.02%). This variant, c.3044_3046del, results in the deletion of 1 amino acid(s) of the SEC24D protein (p.Ser1015del), but otherwise preserves the integrity of the reading frame.

NM_014822.4(SEC24D):c.3041CTT[1] (p.Ser1015del)

Gene: SEC24D (SEC24 homolog D, COPII component; minus strand). Cytogenetic location: 4q26.
Variant type: Microsatellite.
Coding change: c.3041CTT[1] on transcript NM_014822.4 (MANE Select); one copy of the 3-base unit CTT starting at c.3041; the reference has two copies in a row; one copy, 3 bases deleted.
Protein change: p.Ser1015del; deletes serine 1015.
Molecular consequence: inframe deletion.
Genome position (GRCh38, 1-based): chr4:118,723,568-118,723,570, AAG deleted on the plus strand (CTT on the coding strand, the reverse complement: SEC24D is on the minus strand); deleting any 3 consecutive bases within chr4:118,723,568-118,723,574 gives the same sequence; the position shown is the placement nearest the transcript's 3' end. VCF-style (leftmost placement, unchanged base first): chr4-118723567-TAAG-T. GRCh37 (hg19) VCF-style: chr4-119644722-TAAG-T.
Other names: c.3044CTT[1], p.Ser1016del (NM_001318066.2); short protein forms S1016del, S1015del.
Identifiers: ClinVar variation 1987965 (VCV001987965.4), dbSNP rs761365495, ClinGen allele CA3056788.